The following is an entry in ClinVar:

ClinVar aggregate classification (germline): Conflicting classifications of pathogenicity. Review status: criteria provided, conflicting classifications (1 of 4 stars). 2 submissions from 2 submitters: Uncertain significance (1); Likely benign (1). Last evaluated 2026-08-03.

Conditions:
Inborn genetic diseases. Identifiers: MedGen C0950123, MeSH D030342.
Propionic acidemia (PROP). Also called: GLYCINEMIA, KETOTIC; HYPERGLYCINEMIA WITH KETOACIDOSIS AND LEUKOPENIA; KETOTIC HYPERGLYCINEMIA. Identifiers: Orphanet 35, MedGen C0268579, MONDO:0011628, OMIM 606054, HP:0003571.

Allele frequency attached by ClinVar (database versions not stated): 1000 Genomes Project 0.00020; 1000 Genomes Project 30x 0.00016; TOPMed 0.00004; gnomAD 0.00005; ExAC 0.00004.
gnomAD v4.1: 32 of 1,614,140 alleles (0.002%); highest among the groups gnomAD compares: East Asian, 0.027%; 1 homozygote.

Submissions (2):

Ambry Genetics
Classification: Likely benign for Inborn genetic diseases. Last evaluated: 2026-08-03. Review status: criteria provided, single submitter. Criteria: Ambry Variant Classification Scheme 2023. Collection method: clinical testing. Allele origin: germline.

Labcorp Genetics (formerly Invitae), Labcorp
Classification: Uncertain significance for Propionic acidemia. Last evaluated: 2022-10-17. Review status: criteria provided, single submitter. Criteria: Invitae Variant Classification Sherloc (09022015). Collection method: clinical testing. Allele origin: germline.
Comment: This sequence change replaces serine, which is neutral and polar, with leucine, which is neutral and non-polar, at codon 600 of the PCCA protein (p.Ser600Leu). This variant is present in population databases (rs201702922, gnomAD 0.03%). This variant has not been reported in the literature in individuals affected with PCCA-related conditions. Algorithms developed to predict the effect of missense changes on protein structure and function output the following: SIFT: "Tolerated"; PolyPhen-2: "Benign"; Align-GVGD: "Class C0". The leucine amino acid residue is found in multiple mammalian species, which suggests that this missense change does not adversely affect protein function. In summary, the available evidence is currently insufficient to determine the role of this variant in disease. Therefore, it has been classified as a Variant of Uncertain Significance.

NM_000282.4(PCCA):c.1799C>T (p.Ser600Leu)

Gene: PCCA (propionyl-CoA carboxylase subunit alpha; plus strand). Cytogenetic location: 13q32.3.
Variant type: single nucleotide variant.
Coding change: c.1799C>T on transcript NM_000282.4 (MANE Select); coding-DNA position 1799, C replaced by T.
Protein change: p.Ser600Leu; replaces serine 600 with leucine.
Molecular consequence: missense variant. On other transcripts: non-coding transcript variant (5).
Genome position (GRCh38, 1-based): chr13:100,425,685, C>T. VCF-style: chr13-100425685-C-T. GRCh37 (hg19) VCF-style: chr13-101077939-C-T.
Other names: c.1799C>T (NM_000282.3); c.1721C>T, p.Ser574Leu (NM_001127692.3, NM_001352607.2); c.1799C>T, p.Ser600Leu (NM_001178004.2, NM_001352605.2, NM_001352609.2); c.1655C>T, p.Ser552Leu (NM_001352606.2); c.1577C>T, p.Ser526Leu (NM_001352608.2); c.854C>T, p.Ser285Leu (NM_001352610.2, NM_001352611.2); c.710C>T, p.Ser237Leu (NM_001352612.2); short protein forms S552L, S526L, S237L, S285L, S600L, S574L.
Identifiers: ClinVar variation 2042923 (VCV002042923.2), dbSNP rs201702922, ClinGen allele CA7033787.